The following is an entry in ClinVar:

NM_205834.4(LSR):c.646G>T (p.Val216Phe)

Gene: LSR (lipolysis stimulated lipoprotein receptor; plus strand). Cytogenetic location: 19q13.12.
Variant type: single nucleotide variant.
Coding change: c.646G>T on transcript NM_205834.4 (MANE Select); coding-DNA position 646, G replaced by T.
Protein change: p.Val216Phe; replaces valine 216 with phenylalanine.
Molecular consequence: missense variant. On other transcripts: intron variant (3).
Genome position (GRCh38, 1-based): chr19:35,262,560, G>T. VCF-style: chr19-35262560-G-T. GRCh37 (hg19) VCF-style: chr19-35753463-G-T.
Other names: c.589G>T, p.Val197Phe (NM_001260489.2, NM_015925.7); c.574+3496G>T (NM_205835.4, NM_001385215.1); c.455-3799G>T (NM_001260490.2); short protein forms V197F, V216F.
Identifiers: ClinVar variation 2804958 (VCV002804958.3), dbSNP rs747065655, ClinGen allele CA9374807.

ClinVar aggregate classification (germline): Uncertain significance (1 of 4 stars; one submission).

Allele frequency attached by ClinVar (database versions not stated): ExAC 0.00001.

Submission:

Labcorp Genetics (formerly Invitae), Labcorp
Classification: Uncertain significance. Last evaluated: 2022-10-02. Review status: criteria provided, single submitter. Criteria: Invitae Variant Classification Sherloc (09022015). Collection method: clinical testing. Allele origin: germline.
Comment: In summary, the available evidence is currently insufficient to determine the role of this variant in disease. Therefore, it has been classified as a Variant of Uncertain Significance. Algorithms developed to predict the effect of missense changes on protein structure and function are either unavailable or do not agree on the potential impact of this missense change (SIFT: "Deleterious"; PolyPhen-2: "Probably Damaging"; Align-GVGD: "Class C0"). This variant has not been reported in the literature in individuals affected with LSR-related conditions. This variant is present in population databases (rs747065655, gnomAD 0.01%). This sequence change replaces valine, which is neutral and non-polar, with phenylalanine, which is neutral and non-polar, at codon 264 of the LSR protein (p.Val264Phe).